The following is an entry in ClinVar:

ClinVar aggregate classification (germline): Benign/Likely benign. Review status: criteria provided, multiple submitters, no conflicts (2 of 4 stars). 3 submissions from 3 submitters: Benign (2); Likely benign (1). Last evaluated 2025-08-29.

Allele frequency attached by ClinVar (database versions not stated): gnomAD exomes 0.00036 and 0.00085; ExAC 0.00149; gnomAD 0.00345 and 0.00372; TOPMed 0.00420; 1000 Genomes Project 30x 0.00515; 1000 Genomes Project 0.00559.
gnomAD v4.1: 1,070 of 1,609,720 alleles (0.066%); highest among the groups gnomAD compares: African/African-American, 1.3%; 10 homozygotes.

Submissions (3):

Labcorp Genetics (formerly Invitae), Labcorp
Classification: Benign. Last evaluated: 2025-08-29. Review status: criteria provided, single submitter. Criteria: Invitae Variant Classification Sherloc (09022015). Collection method: clinical testing. Allele origin: germline.

CeGaT Center for Human Genetics Tuebingen
Classification: Benign. Last evaluated: 2022-08-01. Review status: criteria provided, single submitter. Criteria: CeGaT Center For Human Genetics Tuebingen Variant Classification Criteria Version 2. Collection method: clinical testing. Allele origin: germline. Affected: yes. Observed: 1 variant allele.
Comment: TMCO1: BP4, BS1, BS2

GeneDx
Classification: Likely benign. Last evaluated: 2021-09-23. Review status: criteria provided, single submitter. Criteria: GeneDx Variant Classification Process June 2021. Collection method: clinical testing. Allele origin: germline. Affected: yes.
Comment: See Variant Classification Assertion Criteria.

NM_019026.6(TMCO1):c.-66T>C

Gene: TMCO1 (transmembrane and coiled-coil domains 1; minus strand). Cytogenetic location: 1q24.1.
Variant type: single nucleotide variant.
Coding change: c.-66T>C on transcript NM_019026.6 (MANE Select); 66 bases upstream of the start codon, T replaced by C.
Molecular consequence: 5 prime UTR variant. On other transcripts: missense variant (1), non-coding transcript variant (1).
Genome position (GRCh38, 1-based): chr1:165,768,817, A>G on the plus strand (T>C on the coding strand, the complement: TMCO1 is on the minus strand). VCF-style: chr1-165768817-A-G. GRCh37 (hg19) VCF-style: chr1-165738054-A-G.
Other names: c.88T>C, p.Phe30Leu (NM_001256164.1); c.-302T>C (NM_001256165.1); short protein forms F30L.
Identifiers: ClinVar variation 737458 (VCV000737458.34), dbSNP rs62622803, ClinGen allele CA1221817.